The following is an entry in ClinVar:

ClinVar aggregate classification (germline): Uncertain significance (1 of 4 stars; one submission).

gnomAD v4.1: 1 of 1,614,262 alleles (0.000062%); no homozygotes.

Submission:

Labcorp Genetics (formerly Invitae), Labcorp
Classification: Uncertain significance. Last evaluated: 2024-02-10. Review status: criteria provided, single submitter. Criteria: Invitae Variant Classification Sherloc (09022015). Collection method: clinical testing. Allele origin: germline.
Comment: This sequence change replaces glycine, which is neutral and non-polar, with alanine, which is neutral and non-polar, at codon 68 of the TWNK protein (p.Gly68Ala). This variant is not present in population databases (gnomAD no frequency). This variant has not been reported in the literature in individuals affected with TWNK-related conditions. Advanced modeling of protein sequence and biophysical properties (such as structural, functional, and spatial information, amino acid conservation, physicochemical variation, residue mobility, and thermodynamic stability) has been performed at Invitae for this missense variant, however the output from this modeling did not meet the statistical confidence thresholds required to predict the impact of this variant on TWNK protein function. In summary, the available evidence is currently insufficient to determine the role of this variant in disease. Therefore, it has been classified as a Variant of Uncertain Significance.

NM_021830.5(TWNK):c.203G>C (p.Gly68Ala)

Gene: TWNK (twinkle mtDNA helicase; plus strand). Cytogenetic location: 10q24.31.
Variant type: single nucleotide variant.
Coding change: c.203G>C on transcript NM_021830.5 (MANE Select); coding-DNA position 203, G replaced by C.
Protein change: p.Gly68Ala; replaces glycine 68 with alanine.
Molecular consequence: missense variant. On other transcripts: non-coding transcript variant (4), intron variant (3).
Genome position (GRCh38, 1-based): chr10:100,988,413, G>C. VCF-style: chr10-100988413-G-C. GRCh37 (hg19) VCF-style: chr10-102748170-G-C.
Other names: c.-120+800G>C (NM_001163814.2, NM_001163813.2); c.-58+800G>C (NM_001368275.1); c.203G>C, p.Gly68Ala (NM_001163812.2); short protein forms G68A.
Identifiers: ClinVar variation 3681970 (VCV003681970.2).
Genomic context (GRCh38, chr10:100,988,413, plus strand): 5'-TGGATATGCCAGTGTTGCCTGTAACTGCAACTGAAATCCGCCAGTATTTGCGGGGGCATG[G>C]GATCCCCTTCCAGGATGGTCACAGTTGCCTGCGGGCACTGAGCCCCTTTGCAGAGTCTTC-3'
Protein context (NP_068602.2, residues 58-78): TEIRQYLRGH[Gly68Ala]IPFQDGHSCL